The following is an entry in ClinVar:

ClinVar aggregate classification (germline): Uncertain significance (1 of 4 stars; one submission).

Conditions:
Inborn genetic diseases. Identifiers: MedGen C0950123, MeSH D030342.

Submission:

Ambry Genetics
Classification: Uncertain significance for Inborn genetic diseases. Last evaluated: 2026-04-20. Review status: criteria provided, single submitter. Criteria: Ambry Variant Classification Scheme 2023. Collection method: clinical testing. Allele origin: germline.
Comment: The p.I552M variant (also known as c.1656T>G), located in coding exon 12 of the ASXL1 gene, results from a T to G substitution at nucleotide position 1656. The isoleucine at codon 552 is replaced by methionine, an amino acid with highly similar properties. This amino acid position is conserved. In addition, this alteration is predicted to be tolerated by in silico analysis. Based on the available evidence, the clinical significance of this variant remains unclear.

NM_015338.6(ASXL1):c.1656T>G (p.Ile552Met)

Gene: ASXL1 (ASXL transcriptional regulator 1; plus strand). Cytogenetic location: 20q11.21.
Variant type: single nucleotide variant.
Coding change: c.1656T>G on transcript NM_015338.6 (MANE Select); coding-DNA position 1656, T replaced by G.
Protein change: p.Ile552Met; replaces isoleucine 552 with methionine.
Molecular consequence: missense variant.
Genome position (GRCh38, 1-based): chr20:32,433,854, T>G. VCF-style: chr20-32433854-T-G. GRCh37 (hg19) VCF-style: chr20-31021657-T-G.
Other names: c.1473T>G, p.Ile491Met (NM_001363734.1); short protein forms I491M, I552M.
Identifiers: ClinVar variation 4864273 (VCV004864273.1).